The following is an entry in ClinVar:

NM_012431.3(SEMA3E):c.25A>G (p.Thr9Ala)

Gene: SEMA3E (semaphorin 3E; minus strand). Cytogenetic location: 7q21.11.
Variant type: single nucleotide variant.
Coding change: c.25A>G on transcript NM_012431.3 (MANE Select); coding-DNA position 25, A replaced by G.
Protein change: p.Thr9Ala; replaces threonine 9 with alanine.
Molecular consequence: missense variant.
Genome position (GRCh38, 1-based): chr7:83,648,518, T>C on the plus strand (A>G on the coding strand, the complement: SEMA3E is on the minus strand). VCF-style: chr7-83648518-T-C. GRCh37 (hg19) VCF-style: chr7-83277834-T-C.
Other names: short protein forms T9A.
Identifiers: ClinVar variation 2881367 (VCV002881367.3), dbSNP rs1185728516, ClinGen allele CA368021280.

ClinVar aggregate classification (germline): Uncertain significance (1 of 4 stars; one submission).

Conditions:
CHARGE syndrome (CHARGE). Also called: Hittner Hirsch Kreh syndrome; CHARGE ASSOCIATION--COLOBOMA, HEART ANOMALY, CHOANAL ATRESIA, RETARDATION, GENITAL AND EAR ANOMALIES; Coloboma, heart anomaly, choanal atresia, retardation, genital and ear anomalies; CHARGE association; Hall-Hittner syndrome. Identifiers: Orphanet 138, MedGen C0265354, MONDO:0008965.

Allele frequency attached by ClinVar (database versions not stated): gnomAD exomes below 0.00001.
gnomAD v4.1: 3 of 1,612,824 alleles (0.00019%); highest among the groups gnomAD compares: Non-Finnish European, 0.00025%; no homozygotes.

Submission:

Labcorp Genetics (formerly Invitae), Labcorp
Classification: Uncertain significance for CHARGE syndrome. Last evaluated: 2023-05-20. Review status: criteria provided, single submitter. Criteria: Invitae Variant Classification Sherloc (09022015). Collection method: clinical testing. Allele origin: germline.
Comment: In summary, the available evidence is currently insufficient to determine the role of this variant in disease. Therefore, it has been classified as a Variant of Uncertain Significance. Algorithms developed to predict the effect of missense changes on protein structure and function output the following: SIFT: "Not Available"; PolyPhen-2: "Benign"; Align-GVGD: "Not Available". The alanine amino acid residue is found in multiple mammalian species, which suggests that this missense change does not adversely affect protein function. This variant has not been reported in the literature in individuals affected with SEMA3E-related conditions. This variant is present in population databases (no rsID available, gnomAD 0.0009%). This sequence change replaces threonine, which is neutral and polar, with alanine, which is neutral and non-polar, at codon 9 of the SEMA3E protein (p.Thr9Ala).